The following is an entry in ClinVar:

ClinVar aggregate classification (germline): Uncertain significance. Review status: criteria provided, multiple submitters, no conflicts (2 of 4 stars). 2 submissions from 2 submitters: Uncertain significance (2). Last evaluated 2024-12-01.

gnomAD v4.1: 2 of 1,594,934 alleles (0.00013%); highest among the groups gnomAD compares: Non-Finnish European, 0.00017%; no homozygotes.

Submissions (2):

CeGaT Center for Human Genetics Tuebingen
Classification: Uncertain significance. Last evaluated: 2024-12-01. Review status: criteria provided, single submitter. Criteria: CeGaT Center For Human Genetics Tuebingen Variant Classification Criteria Version 2. Collection method: clinical testing. Allele origin: germline. Affected: yes. Observed: 1 variant allele.
Comment: MYO18B: PM2, BP4

Labcorp Genetics (formerly Invitae), Labcorp
Classification: Uncertain significance. Last evaluated: 2022-06-05. Review status: criteria provided, single submitter. Criteria: Invitae Variant Classification Sherloc (09022015). Collection method: clinical testing. Allele origin: germline.
Comment: This sequence change replaces proline, which is neutral and non-polar, with serine, which is neutral and polar, at codon 183 of the MYO18B protein (p.Pro183Ser). This variant is not present in population databases (gnomAD no frequency). This variant has not been reported in the literature in individuals affected with MYO18B-related conditions. ClinVar contains an entry for this variant (Variation ID: 1480450). Algorithms developed to predict the effect of missense changes on protein structure and function output the following: SIFT: "Not Available"; PolyPhen-2: "Benign"; Align-GVGD: "Not Available". The serine amino acid residue is found in multiple mammalian species, which suggests that this missense change does not adversely affect protein function. In summary, the available evidence is currently insufficient to determine the role of this variant in disease. Therefore, it has been classified as a Variant of Uncertain Significance.

NM_032608.7(MYO18B):c.547C>T (p.Pro183Ser)

Gene: MYO18B (myosin XVIIIB; plus strand). Cytogenetic location: 22q12.1.
Variant type: single nucleotide variant.
Coding change: c.547C>T on transcript NM_032608.7 (MANE Select); coding-DNA position 547, C replaced by T.
Protein change: p.Pro183Ser; replaces proline 183 with serine.
Molecular consequence: missense variant.
Genome position (GRCh38, 1-based): chr22:25,768,463, C>T. VCF-style: chr22-25768463-C-T. GRCh37 (hg19) VCF-style: chr22-26164430-C-T.
Other names: c.547C>T, p.Pro183Ser (NM_001318245.2); short protein forms P183S.
Identifiers: ClinVar variation 1480450 (VCV001480450.19), dbSNP rs1034201660, ClinGen allele CA322778949.
Genomic context (GRCh38, chr22:25,768,463, plus strand): 5'-GACTCAGCCAAGCCAGAGAAGACTCATCCCCATGACGCCCCCCCTTGCAAGACCTCTCCC[C>T]CCGCCACAGATACTGGAAAGGAAAAGAAAGGGGAGACCTCTAGGACTCCTTGTGGCTCCC-3'
Protein context (NP_115997.5, residues 173-193): HDAPPCKTSP[Pro183Ser]ATDTGKEKKG